The following is an entry in ClinVar:

ClinVar aggregate classification (germline): Uncertain significance (1 of 4 stars; one submission).

Conditions:
Hereditary cancer-predisposing syndrome. Also called: Neoplastic Syndromes, Hereditary; Tumor predisposition; Hereditary Cancer Syndrome; Hereditary neoplastic syndrome. Identifiers: Orphanet 140162, MedGen C0027672, MeSH D009386, MONDO:0015356.

Submission:

Ambry Genetics
Classification: Uncertain significance for Hereditary cancer-predisposing syndrome. Last evaluated: 2026-04-19. Review status: criteria provided, single submitter. Criteria: Ambry Variant Classification Scheme 2023. Collection method: clinical testing. Allele origin: germline.
Comment: The p.G169C variant (also known as c.505G>T), located in coding exon 4 of the CDH1 gene, results from a G to T substitution at nucleotide position 505. The glycine at codon 169 is replaced by cysteine, an amino acid with highly dissimilar properties. This amino acid position is conserved. In addition, this alteration is predicted to be deleterious by in silico analysis. Based on the available evidence, the clinical significance of this variant remains unclear.

NM_004360.5(CDH1):c.505G>T (p.Gly169Cys)

Gene: CDH1 (cadherin 1; plus strand). Cytogenetic location: 16q22.1.
Variant type: single nucleotide variant.
Coding change: c.505G>T on transcript NM_004360.5 (MANE Select); coding-DNA position 505, G replaced by T.
Protein change: p.Gly169Cys; replaces glycine 169 with cysteine.
Molecular consequence: missense variant. On other transcripts: 5 prime UTR variant (2).
Genome position (GRCh38, 1-based): chr16:68,808,541, G>T. VCF-style: chr16-68808541-G-T. GRCh37 (hg19) VCF-style: chr16-68842444-G-T.
Other names: c.505G>T, p.Gly169Cys (NM_001317184.2); c.-1111G>T (NM_001317185.2); c.-1315G>T (NM_001317186.2); short protein forms G169C.
Identifiers: ClinVar variation 4868398 (VCV004868398.1).
Genomic context (GRCh38, chr16:68,808,541, plus strand): 5'-CTCAGAAGACAGAAGAGAGACTGGGTTATTCCTCCCATCAGCTGCCCAGAAAATGAAAAA[G>T]GCCCATTTCCTAAAAACCTGGTTCAGGTAGAGAAAGAAGTTCTCTGTTTCTCTGGGAGGG-3'
Protein context (NP_004351.1, residues 159-179): PPISCPENEK[Gly169Cys]PFPKNLVQIK